The following is an entry in ClinVar:

ClinVar aggregate classification (germline): Uncertain significance (1 of 4 stars; one submission).

Conditions:
Inborn genetic diseases. Identifiers: MedGen C0950123, MeSH D030342.

Submission:

Ambry Genetics
Classification: Uncertain significance for Inborn genetic diseases. Last evaluated: 2025-09-07. Review status: criteria provided, single submitter. Criteria: Ambry Variant Classification Scheme 2023. Collection method: clinical testing. Allele origin: germline.
Comment: The p.F168L variant (also known as c.502T>C), located in coding exon 4 of the G6PC3 gene, results from a T to C substitution at nucleotide position 502. The phenylalanine at codon 168 is replaced by leucine, an amino acid with highly similar properties. This amino acid position is conserved. In addition, this alteration is predicted to be deleterious by in silico analysis. Based on the available evidence, the clinical significance of this variant remains unclear.

NM_138387.4(G6PC3):c.502T>C (p.Phe168Leu)

Gene: G6PC3 (glucose-6-phosphatase catalytic subunit 3; plus strand). Cytogenetic location: 17q21.31.
Variant type: single nucleotide variant.
Coding change: c.502T>C on transcript NM_138387.4 (MANE Select); coding-DNA position 502, T replaced by C.
Protein change: p.Phe168Leu; replaces phenylalanine 168 with leucine.
Molecular consequence: missense variant. On other transcripts: intron variant (1).
Genome position (GRCh38, 1-based): chr17:44,075,054, T>C. VCF-style: chr17-44075054-T-C. GRCh37 (hg19) VCF-style: chr17-42152422-T-C.
Other names: c.157T>C, p.Phe53Leu (NM_001384165.1, NM_001384166.1, NM_001384167.1 and 1 more transcripts); c.417-256T>C (NM_001319945.2); short protein forms F53L, F168L.
Identifiers: ClinVar variation 4261011 (VCV004261011.1).